The following is an entry in ClinVar:

ClinVar aggregate classification (germline): Uncertain significance (1 of 4 stars; one submission).

Conditions:
Fanconi anemia complementation group O. Also called: RAD51C-Related Fanconi Anemia. Identifiers: Orphanet 84, MedGen C3150653, MONDO:0013248, OMIM 613390.

Submission:

Labcorp Genetics (formerly Invitae), Labcorp
Classification: Uncertain significance for Fanconi anemia complementation group O. Last evaluated: 2018-06-12. Review status: criteria provided, single submitter. Criteria: Invitae Variant Classification Sherloc (09022015). Collection method: clinical testing. Allele origin: germline.
Comment: This sequence change replaces valine with leucine at codon 239 of the RAD51C protein (p.Val239Leu). The valine residue is highly conserved and there is a small physicochemical difference between valine and leucine. This variant is not present in population databases (ExAC no frequency). This variant has not been reported in the literature in individuals with RAD51C-related disease. Algorithms developed to predict the effect of missense changes on protein structure and function (SIFT, PolyPhen-2, Align-GVGD) all suggest that this variant is likely to be tolerated, but these predictions have not been confirmed by published functional studies and their clinical significance is uncertain. In summary, the available evidence is currently insufficient to determine the role of this variant in disease. Therefore, it has been classified as a Variant of Uncertain Significance.

NM_058216.3(RAD51C):c.715G>T (p.Val239Leu)

Gene: RAD51C (RAD51 paralog C; plus strand). Cytogenetic location: 17q22.
Variant type: single nucleotide variant.
Coding change: c.715G>T on transcript NM_058216.3 (MANE Select); coding-DNA position 715, G replaced by T.
Protein change: p.Val239Leu; replaces valine 239 with leucine.
Molecular consequence: missense variant. On other transcripts: non-coding transcript variant (1).
Genome position (GRCh38, 1-based): chr17:58,709,868, G>T. VCF-style: chr17-58709868-G-T. GRCh37 (hg19) VCF-style: chr17-56787229-G-T.
Other names: short protein forms V239L.
Identifiers: ClinVar variation 578998 (VCV000578998.8), dbSNP rs1064795326, ClinGen allele CA400353143.
Genomic context (GRCh38, chr17:58,709,868, plus strand): 5'-TTATTATTTTATTTTTCGTAACAAATCTAATATTATCTCTTCTGTATTTAGGTTCGACTA[G>T]TGATAGTGGATGGTATTGCTTTTCCATTTCGTCATGACCTAGATGACCTGTCTCTTCGTA-3'
Protein context (NP_478123.1, residues 229-249): FLSEHSKVRL[Val239Leu]IVDGIAFPFR